The following is an entry in ClinVar:

ClinVar aggregate classification (germline): Uncertain significance (1 of 4 stars; one submission).

Submission:

Greenwood Genetic Center Diagnostic Laboratories, Greenwood Genetic Center
Classification: Uncertain significance. Last evaluated: 2024-12-12. Review status: criteria provided, single submitter. Criteria: ACMG Guidelines, 2015. Collection method: clinical testing. Allele origin: germline. Affected: yes.
Comment: PM2

NM_020751.3(COG6):c.1285-3812A>G

Gene: COG6 (component of oligomeric golgi complex 6; plus strand). Cytogenetic location: 13q14.11.
Variant type: single nucleotide variant.
Coding change: c.1285-3812A>G on transcript NM_020751.3 (MANE Select); 3812 bases into the intron before coding-DNA position 1285, A replaced by G.
Molecular consequence: intron variant.
Genome position (GRCh38, 1-based): chr13:39,715,424, A>G. VCF-style: chr13-39715424-A-G. GRCh37 (hg19) VCF-style: chr13-40289561-A-G.
Other names: c.1285-3812A>G (NM_001145079.2).
Identifiers: ClinVar variation 3765816 (VCV003765816.1).